The following is an entry in ClinVar:

ClinVar aggregate classification (germline): Uncertain significance. Review status: criteria provided, multiple submitters, no conflicts (2 of 4 stars). 2 submissions from 2 submitters: Uncertain significance (2). Last evaluated 2025-04-20.

Conditions:
Hereditary cancer-predisposing syndrome. Also called: Tumor predisposition; Hereditary neoplastic syndrome; Neoplastic Syndromes, Hereditary; Hereditary Cancer Syndrome. Identifiers: Orphanet 140162, MedGen C0027672, MeSH D009386, MONDO:0015356.
Oligodontia-cancer predisposition syndrome. Also called: TOOTH AGENESIS-COLORECTAL CANCER SYNDROME. Identifiers: Orphanet 300576, MedGen C1837750, MONDO:0012075, OMIM 608615. Disease mechanism: loss of function.

Submissions (2):

Ambry Genetics
Classification: Uncertain significance for Hereditary cancer-predisposing syndrome. Last evaluated: 2025-04-20. Review status: criteria provided, single submitter. Criteria: Ambry Variant Classification Scheme 2023. Collection method: clinical testing. Allele origin: germline.
Comment: The p.A676T variant (also known as c.2026G>A), located in coding exon 7 of the AXIN2 gene, results from a G to A substitution at nucleotide position 2026. The alanine at codon 676 is replaced by threonine, an amino acid with similar properties. This amino acid position is conserved. In addition, this alteration is predicted to be tolerated by in silico analysis. Based on the available evidence, the clinical significance of this variant remains unclear.

Labcorp Genetics (formerly Invitae), Labcorp
Classification: Uncertain significance for Oligodontia-cancer predisposition syndrome. Last evaluated: 2019-10-25. Review status: criteria provided, single submitter. Criteria: Invitae Variant Classification Sherloc (09022015). Collection method: clinical testing. Allele origin: germline.
Comment: This sequence change replaces alanine with threonine at codon 676 of the AXIN2 protein (p.Ala676Thr). The alanine residue is highly conserved and there is a small physicochemical difference between alanine and threonine. This variant is not present in population databases (ExAC no frequency). In summary, the available evidence is currently insufficient to determine the role of this variant in disease. Therefore, it has been classified as a Variant of Uncertain Significance. Algorithms developed to predict the effect of missense changes on protein structure and function output the following: SIFT: "Deleterious"; PolyPhen-2: "Benign"; Align-GVGD: "Class C0". The threonine amino acid residue is found in multiple mammalian species, suggesting that this missense change does not adversely affect protein function. These predictions have not been confirmed by published functional studies and their clinical significance is uncertain. This variant has not been reported in the literature in individuals with AXIN2-related conditions.

NM_004655.4(AXIN2):c.2026G>A (p.Ala676Thr)

Gene: AXIN2 (axin 2; minus strand). Cytogenetic location: 17q24.1.
Variant type: single nucleotide variant.
Coding change: c.2026G>A on transcript NM_004655.4 (MANE Select); coding-DNA position 2026, G replaced by A.
Protein change: p.Ala676Thr; replaces alanine 676 with threonine.
Molecular consequence: missense variant.
Genome position (GRCh38, 1-based): chr17:65,536,435, C>T on the plus strand (G>A on the coding strand, the complement: AXIN2 is on the minus strand). VCF-style: chr17-65536435-C-T. GRCh37 (hg19) VCF-style: chr17-63532553-C-T.
Other names: c.1831G>A, p.Ala611Thr (NM_001363813.1); short protein forms A676T, A611T.
Identifiers: ClinVar variation 859453 (VCV000859453.10), dbSNP rs1424100499, ClinGen allele CA400676138.